The following is an entry in ClinVar:

ClinVar aggregate classification (germline): Likely benign (0 of 4 stars; one submission).

Conditions:
THSD1-related disorder. Also called: THSD1-related condition.

Submission:

PreventionGenetics, part of Exact Sciences
Classification: Likely benign for THSD1-related condition. Last evaluated: 2022-09-06. Review status: no assertion criteria provided. Collection method: clinical testing. Allele origin: germline.
Comment: This variant is classified as likely benign based on ACMG/AMP sequence variant interpretation guidelines (Richards et al. 2015 PMID: 25741868, with internal and published modifications).

NM_018676.4(THSD1):c.1632T>C (p.Gly544=)

Gene: THSD1 (thrombospondin type 1 domain containing 1; minus strand). Cytogenetic location: 13q14.3.
Variant type: single nucleotide variant.
Coding change: c.1632T>C on transcript NM_018676.4 (MANE Select); coding-DNA position 1632, T replaced by C.
Protein change: p.Gly544=; no amino-acid change (glycine 544 retained).
Molecular consequence: synonymous variant.
Genome position (GRCh38, 1-based): chr13:52,378,338, A>G on the plus strand (T>C on the coding strand, the complement: THSD1 is on the minus strand). VCF-style: chr13-52378338-A-G. GRCh37 (hg19) VCF-style: chr13-52952473-A-G.
Other names: c.1473T>C, p.Gly491= (NM_199263.3).
Identifiers: ClinVar variation 3048677 (VCV003048677.2), dbSNP rs1171510500, ClinGen allele CA484028067.